The following is an entry in ClinVar:

NM_004525.3(LRP2):c.12872del (p.Lys4291fs)

Gene: LRP2 (LDL receptor related protein 2; minus strand). Cytogenetic location: 2q31.1.
Variant type: Deletion.
Coding change: c.12872del on transcript NM_004525.3 (MANE Select); coding-DNA position 12872, one base deleted (A; older notation c.12872delA).
Protein change: p.Lys4291fs; shifts the reading frame from lysine 4291.
Molecular consequence: frameshift variant.
Genome position (GRCh38, 1-based): chr2:169,145,863, T deleted on the plus strand (A on the coding strand, the reverse complement: LRP2 is on the minus strand); the first of 4 consecutive T bases (chr2:169,145,863-169,145,866); deleting any one gives the same sequence. VCF-style (leftmost placement, unchanged base first): chr2-169145862-CT-C. GRCh37 (hg19) VCF-style: chr2-170002372-CT-C.
Other names: short protein forms K4291fs.
Identifiers: ClinVar variation 2845234 (VCV002845234.3), dbSNP rs2545661006, ClinGen allele CA645530859.

ClinVar aggregate classification (germline): Pathogenic (1 of 4 stars; one submission).

Submission:

Labcorp Genetics (formerly Invitae), Labcorp
Classification: Pathogenic. Last evaluated: 2023-03-12. Review status: criteria provided, single submitter. Criteria: Invitae Variant Classification Sherloc (09022015). Collection method: clinical testing. Allele origin: germline.
Comment: For these reasons, this variant has been classified as Pathogenic. This variant has not been reported in the literature in individuals affected with LRP2-related conditions. This variant is not present in population databases (gnomAD no frequency). This sequence change creates a premature translational stop signal (p.Lys4291Argfs*20) in the LRP2 gene. It is expected to result in an absent or disrupted protein product. Loss-of-function variants in LRP2 are known to be pathogenic (PMID: 17632512, 25682901).

Literature cited by the submitters: PubMed 17632512; PubMed 25682901.